The following is an entry in ClinVar:

NM_005356.5(LCK):c.440C>G (p.Thr147Ser)

Gene: LCK (LCK proto-oncogene, Src family tyrosine kinase; plus strand). Cytogenetic location: 1p35.2.
Variant type: single nucleotide variant.
Coding change: c.440C>G on transcript NM_005356.5 (MANE Select); coding-DNA position 440, C replaced by G.
Protein change: p.Thr147Ser; replaces threonine 147 with serine.
Molecular consequence: missense variant.
Genome position (GRCh38, 1-based): chr1:32,275,631, C>G. VCF-style: chr1-32275631-C-G. GRCh37 (hg19) VCF-style: chr1-32741232-C-G.
Other names: c.440C>G, p.Thr147Ser (NM_001042771.3, NM_001330468.2); short protein forms T147S.
Identifiers: ClinVar variation 1419132 (VCV001419132.3), dbSNP rs761327722, ClinGen allele CA741108.
Genomic context (GRCh38, chr1:32,275,631, plus strand): 5'-GGTTCTTCAAGAACCTGAGCCGCAAGGACGCGGAGCGGCAGCTCCTGGCGCCCGGGAACA[C>G]TCACGGCTCCTTCCTCATCCGGGAGAGCGAGAGCACCGCGGGTGAGCGGGCGGCGGTCTC-3'
Protein context (NP_005347.3, residues 137-157): AERQLLAPGN[Thr147Ser]HGSFLIRESE

ClinVar aggregate classification (germline): Uncertain significance (1 of 4 stars; one submission).

Conditions:
Severe combined immunodeficiency due to LCK deficiency. Also called: Immunodeficiency 22. Identifiers: Orphanet 280142, MedGen C4014233, MONDO:0014334, OMIM 615758.

Allele frequency attached by ClinVar (database versions not stated): TOPMed below 0.00001; gnomAD 0.00001; gnomAD exomes 0.00002 and 0.00003.

Submission:

Labcorp Genetics (formerly Invitae), Labcorp
Classification: Uncertain significance for Severe combined immunodeficiency due to LCK deficiency. Last evaluated: 2022-08-21. Review status: criteria provided, single submitter. Criteria: Invitae Variant Classification Sherloc (09022015). Collection method: clinical testing. Allele origin: germline.
Comment: This sequence change replaces threonine, which is neutral and polar, with serine, which is neutral and polar, at codon 147 of the LCK protein (p.Thr147Ser). This variant is present in population databases (rs761327722, gnomAD 0.006%). This variant has not been reported in the literature in individuals affected with LCK-related conditions. ClinVar contains an entry for this variant (Variation ID: 1419132). Algorithms developed to predict the effect of missense changes on protein structure and function are either unavailable or do not agree on the potential impact of this missense change (SIFT: "Tolerated"; PolyPhen-2: "Possibly Damaging"; Align-GVGD: "Class C0"). Algorithms developed to predict the effect of sequence changes on RNA splicing suggest that this variant may create or strengthen a splice site. In summary, the available evidence is currently insufficient to determine the role of this variant in disease. Therefore, it has been classified as a Variant of Uncertain Significance.